The following is an entry in ClinVar:

ClinVar aggregate classification (germline): Uncertain significance (1 of 4 stars; one submission).

Conditions:
Inborn genetic diseases. Identifiers: MedGen C0950123, MeSH D030342.

Allele frequency attached by ClinVar (database versions not stated): gnomAD 0.00001; gnomAD exomes 0.00002; TOPMed 0.00002.
gnomAD v4.1: 27 of 1,210,583 alleles (0.0022%); highest among the groups gnomAD compares: Non-Finnish European, 0.0029%; no homozygotes.

Submission:

Ambry Genetics
Classification: Uncertain significance for Inborn genetic diseases. Last evaluated: 2021-12-29. Review status: criteria provided, single submitter. Criteria: Ambry Variant Classification Scheme 2023. Collection method: clinical testing. Allele origin: germline.
Comment: The c.1454C>G (p.A485G) alteration is located in exon 7 (coding exon 7) of the OTUD5 gene. This alteration results from a C to G substitution at nucleotide position 1454, causing the alanine (A) at amino acid position 485 to be replaced by a glycine (G). This variant was not reported in population-based cohorts in the Genome Aggregation Database (gnomAD). This amino acid position is not well conserved in available vertebrate species. This missense alteration is located in a region that has a low rate of benign missense variation (Lek, 2016; Firth, 2009). This alteration is predicted to be tolerated by in silico analysis. Based on insufficient or conflicting evidence, the clinical significance of this alteration remains unclear.

NM_001136157.2(OTUD5):c.1439C>G (p.Ala480Gly)

Gene: OTUD5 (OTU deubiquitinase 5; minus strand). Cytogenetic location: Xp11.23.
Variant type: single nucleotide variant.
Coding change: c.1439C>G on transcript NM_001136157.2 (MANE Select); coding-DNA position 1439, C replaced by G.
Protein change: p.Ala480Gly; replaces alanine 480 with glycine.
Molecular consequence: missense variant.
Genome position (GRCh38, 1-based): chrX:48,923,877, G>C on the plus strand (C>G on the coding strand, the complement: OTUD5 is on the minus strand). VCF-style: chrX-48923877-G-C. GRCh37 (hg19) VCF-style: chrX-48781154-G-C.
Other names: c.1439C>G, p.Ala480Gly (NM_001136158.2); c.788C>G, p.Ala263Gly (NM_001136159.2); c.1454C>G, p.Ala485Gly (NM_017602.4); short protein forms A485G, A263G, A480G.
Identifiers: ClinVar variation 2409019 (VCV002409019.2), dbSNP rs1322657324, ClinGen allele CA412906621.